The following is an entry in ClinVar:

ClinVar aggregate classification (germline): Uncertain significance (1 of 4 stars; one submission).

Submission:

GeneDx
Classification: Uncertain significance. Last evaluated: 2019-10-02. Review status: criteria provided, single submitter. Criteria: GeneDx Variant Classification Process June 2021. Collection method: clinical testing. Allele origin: germline. Affected: yes.
Comment: Not observed in large population cohorts (Lek et al., 2016); In silico analysis, which includes protein predictors and evolutionary conservation, supports a deleterious effect; Has not been previously published as pathogenic or benign to our knowledge

NM_007327.4(GRIN1):c.1567C>T (p.Arg523Cys)

Gene: GRIN1 (glutamate ionotropic receptor NMDA type subunit 1; plus strand). Cytogenetic location: 9q34.3.
Variant type: single nucleotide variant.
Coding change: c.1567C>T on transcript NM_007327.4 (MANE Select); coding-DNA position 1567, C replaced by T.
Protein change: p.Arg523Cys; replaces arginine 523 with cysteine.
Molecular consequence: missense variant.
Genome position (GRCh38, 1-based): chr9:137,162,023, C>T. VCF-style: chr9-137162023-C-T. GRCh37 (hg19) VCF-style: chr9-140056475-C-T.
Other names: c.1567C>T, p.Arg523Cys (NM_000832.7, NM_021569.4); c.1630C>T, p.Arg544Cys (NM_001185090.2, NM_001185091.2); short protein forms R523C, R544C.
Identifiers: ClinVar variation 1308763 (VCV001308763.2), dbSNP rs2131296364, ClinGen allele CA375717376.